The following is an entry in ClinVar:

ClinVar aggregate classification (germline): Uncertain significance (1 of 4 stars; one submission).

Submission:

Labcorp Genetics (formerly Invitae), Labcorp
Classification: Uncertain significance. Last evaluated: 2021-04-21. Review status: criteria provided, single submitter. Criteria: Invitae Variant Classification Sherloc (09022015). Collection method: clinical testing. Allele origin: germline.
Comment: In summary, the available evidence is currently insufficient to determine the role of this variant in disease. Therefore, it has been classified as a Variant of Uncertain Significance. Algorithms developed to predict the effect of missense changes on protein structure and function are either unavailable or do not agree on the potential impact of this missense change (SIFT: "Deleterious"; PolyPhen-2: "Probably Damaging"; Align-GVGD: "Class C0"). This variant has not been reported in the literature in individuals with ASPM-related conditions. This variant is not present in population databases (ExAC no frequency). This sequence change replaces asparagine with aspartic acid at codon 1133 of the ASPM protein (p.Asn1133Asp). The asparagine residue is highly conserved and there is a small physicochemical difference between asparagine and aspartic acid.

NM_018136.5(ASPM):c.3397A>G (p.Asn1133Asp)

Gene: ASPM (assembly factor for spindle microtubules; minus strand). Cytogenetic location: 1q31.3.
Variant type: single nucleotide variant.
Coding change: c.3397A>G on transcript NM_018136.5 (MANE Select); coding-DNA position 3397, A replaced by G.
Protein change: p.Asn1133Asp; replaces asparagine 1133 with aspartic acid.
Molecular consequence: missense variant.
Genome position (GRCh38, 1-based): chr1:197,122,589, T>C on the plus strand (A>G on the coding strand, the complement: ASPM is on the minus strand). VCF-style: chr1-197122589-T-C. GRCh37 (hg19) VCF-style: chr1-197091719-T-C.
Other names: c.3397A>G, p.Asn1133Asp (NM_001206846.2); short protein forms N1133D.
Identifiers: ClinVar variation 1447251 (VCV001447251.8), dbSNP rs1204696178, ClinGen allele CA344040871.
Genomic context (GRCh38, chr1:197,122,589, plus strand): 5'-GATGGTAATGGTGGATCAGGTAACATAACACACGGCCGTCTGAGAAAGACACTGTAAAAT[T>C]CTCCACCTGATTGAAAATGCCAGAAAAACAATTAACCGCATTTAGAAAGTAGTATAGACA-3'
Protein context (NP_060606.3, residues 1123-1143): VCAFYNKKVE[Asn1133Asp]FTVSFSDGRV